The following is an entry in ClinVar:

ClinVar aggregate classification (germline): Conflicting classifications of pathogenicity. Review status: criteria provided, conflicting classifications (1 of 4 stars). 4 submissions from 4 submitters: Likely pathogenic (1); Uncertain significance (3). Last evaluated 2026-05-05.

Conditions:
Hereditary spastic paraplegia 7 (SPG7). Also called: Spastic paraplegia 7; Hereditary spastic paraplegia Paraplegin type; Autosomal recessive spastic paraplegia type 7; SPASTIC PARAPLEGIA 7, AUTOSOMAL RECESSIVE, WITH OR WITHOUT CEREBELLAR ATAXIA; SPG7-related neurologic disorder. Identifiers: Orphanet 99013, MedGen C1846564, MONDO:0011803, OMIM 607259.

Allele frequency attached by ClinVar (database versions not stated): gnomAD 0.00001; TOPMed 0.00001; gnomAD exomes 0.00002.
gnomAD v4.1: 32 of 1,600,762 alleles (0.002%); highest among the groups gnomAD compares: Non-Finnish European, 0.0027%; no homozygotes.

Submissions (4):

Women's Health and Genetics/Laboratory Corporation of America, LabCorp
Classification: Uncertain significance. Last evaluated: 2026-05-05. Review status: criteria provided, single submitter. Criteria: LabCorp Variant Classification Summary - May 2015. Collection method: clinical testing. Allele origin: germline.
Comment: Variant summary: SPG7 c.861+5G>A alters a conserved nucleotide located close to a canonical splice site and therefore could affect mRNA splicing, leading to a significantly altered protein sequence. Several computational tools predict a significant impact on normal splicing: Three predict the variant abolishes a 5' splicing donor site. One predict the variant weakens a 5' donor site. However, these predictions have yet to be confirmed by functional studies. The variant was absent in 248936 control chromosomes. The available data on variant occurrences in the general population are insufficient to allow any conclusion about variant significance. To our knowledge, no occurrence of c.861+5G>A in individuals affected with SPG7-related conditions and no experimental evidence demonstrating its impact on protein function have been reported. ClinVar contains an entry for this variant (Variation ID: 645218). Based on the evidence outlined above, the variant was classified as uncertain significance.

GeneDx
Classification: Likely pathogenic. Last evaluated: 2025-11-17. Review status: criteria provided, single submitter. Criteria: GeneDx Variant Classification Process June 2021. Collection method: clinical testing. Allele origin: germline.
Comment: Not observed at significant frequency in large population cohorts (gnomAD); Intronic variant directly or indirectly altering the +5 splice site in a gene for which loss of function is a known mechanism of disease, and splice predictors support a deleterious effect; This variant is associated with the following publications: (PMID: 33310205)

CeGaT Center for Human Genetics Tuebingen
Classification: Uncertain significance. Last evaluated: 2025-05-01. Review status: criteria provided, single submitter. Criteria: CeGaT Center For Human Genetics Tuebingen Variant Classification Criteria Version 2. Collection method: clinical testing. Allele origin: germline. Affected: yes. Observed: 2 variant alleles.
Comment: SPG7: PM2, PM3

Labcorp Genetics (formerly Invitae), Labcorp
Classification: Uncertain significance for Hereditary spastic paraplegia 7. Last evaluated: 2018-11-13. Review status: criteria provided, single submitter. Criteria: Invitae Variant Classification Sherloc (09022015). Collection method: clinical testing. Allele origin: germline.
Comment: In summary, the available evidence is currently insufficient to determine the role of this variant in disease. Therefore, it has been classified as a Variant of Uncertain Significance. Nucleotide substitutions within the consensus splice site are a relatively common cause of aberrant splicing (PMID: 17576681, 9536098). Algorithms developed to predict the effect of sequence changes on RNA splicing suggest that this variant may disrupt the consensus splice site, but this prediction has not been confirmed by published transcriptional studies. This variant has not been reported in the literature in individuals with SPG7-related disease. This variant is not present in population databases (ExAC no frequency). This sequence change falls in intron 6 of the SPG7 gene. It does not directly change the encoded amino acid sequence of the SPG7 protein, but it affects a nucleotide within the consensus splice site of the intron.

Literature cited by the submitters: PubMed 17576681 (cited by Labcorp Genetics (formerly Invitae), Labcorp); PubMed 9536098 (cited by Labcorp Genetics (formerly Invitae), Labcorp).

NM_003119.4(SPG7):c.861+5G>A

Gene: SPG7 (SPG7 matrix AAA peptidase subunit, paraplegin; plus strand). Cytogenetic location: 16q24.3.
Variant type: single nucleotide variant.
Coding change: c.861+5G>A on transcript NM_003119.4 (MANE Select); 5 bases into the intron after coding-DNA position 861, G replaced by A.
Molecular consequence: intron variant.
Genome position (GRCh38, 1-based): chr16:89,529,584, G>A. VCF-style: chr16-89529584-G-A. GRCh37 (hg19) VCF-style: chr16-89595992-G-A.
Other names: c.861+5G>A (NM_001363850.1, NM_199367.3).
Identifiers: ClinVar variation 645218 (VCV000645218.51), dbSNP rs757333854, ClinGen allele CA286541788.